The following is an entry in ClinVar:

ClinVar aggregate classification (germline): Pathogenic (1 of 4 stars; one submission).

Conditions:
Alport syndrome. Also called: Hemorrhagic familial nephritis; Hemorrhagic hereditary nephritis; Congenital hereditary hematuria. Identifiers: Orphanet 63, MedGen C1567741, MONDO:0018965.

Submission:

Myriad Genetics, Inc.
Classification: Pathogenic for Alport syndrome. Last evaluated: 2023-09-27. Review status: criteria provided, single submitter. Criteria: Myriad Autosomal Dominant, Autosomal Recessive and X-Linked Classification Criteria (2023). Collection method: clinical testing. Allele origin: unknown.
Comment: NM_000091.4(COL4A3):c.1835dupC(A613Sfs*33) is expected to be pathogenic in the context of Alport syndrome, COL4A3-related. This variant is predicted to lead to an abnormal or absent protein product due to the creation of a premature termination codon in COL4A3, a gene where loss-of-function variants are known to be pathogenic. Please note: this variant was assessed in the context of healthy population screening.

NM_000091.5(COL4A3):c.1835dup (p.Ala613fs)

Genes: COL4A3 (collagen type IV alpha 3 chain; plus strand), MFF-DT (MFF divergent transcript; minus strand). Cytogenetic location: 2q36.3.
Variant type: Duplication.
Coding change: c.1835dup on transcript NM_000091.5 (MANE Select); coding-DNA position 1835, one base duplicated (C; older notation c.1835dupC).
Protein change: p.Ala613fs; shifts the reading frame from alanine 613.
Molecular consequence: frameshift variant.
Genome position (GRCh38, 1-based): chr2:227,273,025, C duplicated; the last of 2 consecutive C bases (chr2:227,273,024-227,273,025); duplicating either gives the same sequence. VCF-style (leftmost placement, unchanged base first): chr2-227273023-A-AC. GRCh37 (hg19) VCF-style: chr2-228137739-A-AC.
Other names: short protein forms A613fs.
Identifiers: ClinVar variation 5011857 (VCV005011857.1).